The following is an entry in ClinVar:

ClinVar aggregate classification (germline): Uncertain significance. Review status: criteria provided, multiple submitters, no conflicts (2 of 4 stars). 2 submissions from 2 submitters: Uncertain significance (2). Last evaluated 2025-10-29.

Conditions:
Inborn genetic diseases. Identifiers: MedGen C0950123, MeSH D030342.

Allele frequency attached by ClinVar (database versions not stated): TOPMed 0.00002; gnomAD exomes 0.00001.
gnomAD v4.1: 11 of 1,211,403 alleles (0.00091%); highest among the groups gnomAD compares: Non-Finnish European, 0.0011%; no homozygotes.

Submissions (2):

Ambry Genetics
Classification: Uncertain significance for Inborn genetic diseases. Last evaluated: 2025-10-29. Review status: criteria provided, single submitter. Criteria: Ambry Variant Classification Scheme 2023. Collection method: clinical testing. Allele origin: germline.

GeneDx
Classification: Uncertain significance. Last evaluated: 2020-02-04. Review status: criteria provided, single submitter. Criteria: GeneDx Variant Classification Process June 2021. Collection method: clinical testing. Allele origin: germline. Affected: yes.
Comment: Not observed at a significant frequency in large population cohorts (Lek et al., 2016); In silico analysis supports that this missense variant has a deleterious effect on protein structure/function; Has not been previously published as pathogenic or benign to our knowledge

NM_001291867.2(NHS):c.3167T>A (p.Val1056Asp)

Gene: NHS (NHS actin remodeling regulator; plus strand). Cytogenetic location: Xp22.13.
Variant type: single nucleotide variant.
Coding change: c.3167T>A on transcript NM_001291867.2 (MANE Select); coding-DNA position 3167, T replaced by A.
Protein change: p.Val1056Asp; replaces valine 1056 with aspartic acid.
Molecular consequence: missense variant.
Genome position (GRCh38, 1-based): chrX:17,727,273, T>A. VCF-style: chrX-17727273-T-A. GRCh37 (hg19) VCF-style: chrX-17745393-T-A.
Other names: c.2636T>A, p.Val879Asp (NM_001136024.4); c.2573T>A, p.Val858Asp (NM_001291868.2); c.3104T>A, p.Val1035Asp (NM_198270.4); short protein forms V1035D, V1056D, V858D, V879D.
Identifiers: ClinVar variation 1312078 (VCV001312078.3), dbSNP rs1277536725, ClinGen allele CA412362414.
Genomic context (GRCh38, chrX:17,727,273, plus strand): 5'-TCCCTACAGCTTTCTTTTCAGGTCCATTGTCTCCCGGAGGTAGCAAAAGAAAACCTAAAG[T>A]CCCAGAAAGAAAATCCTCACTACAGCAACCCTCTTTAAAAGATGGAACTATATCACTGAG-3'
Protein context (NP_001278796.1, residues 1046-1066): SPGGSKRKPK[Val1056Asp]PERKSSLQQP